The following is an entry in ClinVar:

ClinVar aggregate classification (germline): Benign. Review status: criteria provided, multiple submitters, no conflicts (2 of 4 stars). 2 submissions from 2 submitters: Benign (2). Last evaluated 2018-06-15.

Allele frequency attached by ClinVar (database versions not stated): gnomAD exomes 0.08110; gnomAD 0.19904 and 0.20122; TOPMed 0.21512; 1000 Genomes Project 0.25899; 1000 Genomes Project 30x 0.26343.
gnomAD v4.1: 107,043 of 1,088,522 alleles (9.8%); highest among the groups gnomAD compares: African/African-American, 46%; 11,347 homozygotes.

Submissions (2):

GeneDx
Classification: Benign. Last evaluated: 2018-06-15. Review status: criteria provided, single submitter. Criteria: GeneDx Variant Classification (06012015). Collection method: clinical testing. Allele origin: germline. Affected: yes.
Comment: This variant is considered likely benign or benign based on one or more of the following criteria: it is a conservative change, it occurs at a poorly conserved position in the protein, it is predicted to be benign by multiple in silico algorithms, and/or has population frequency not consistent with disease.

Breakthrough Genomics
Classification: Benign. Review status: criteria provided, single submitter. Criteria: ACMG Guidelines, 2015. Collection method: not provided. Allele origin: germline. Inheritance: Autosomal recessive inheritance. Affected: yes.

NM_001267550.2(TTN):c.34291+115C>T

Gene: TTN (titin; minus strand). Cytogenetic location: 2q31.2.
Variant type: single nucleotide variant.
Coding change: c.34291+115C>T on transcript NM_001267550.2 (MANE Select); 115 bases into the intron after coding-DNA position 34291, C replaced by T.
Molecular consequence: intron variant.
Genome position (GRCh38, 1-based): chr2:178,677,506, G>A on the plus strand (C>T on the coding strand, the complement: TTN is on the minus strand). VCF-style: chr2-178677506-G-A. GRCh37 (hg19) VCF-style: chr2-179542233-G-A.
Other names: c.13283-35189C>T (NM_003319.4); c.13859-35189C>T (NM_133437.4); c.13658-35189C>T (NM_133432.3); c.30559+115C>T (NM_133378.4); c.33340+115C>T (NM_001256850.1).
Identifiers: ClinVar variation 672608 (VCV000672608.2), dbSNP rs2742349, ClinGen allele CA60982328.